The following is an entry in ClinVar:

ClinVar aggregate classification (germline): Uncertain significance. Review status: criteria provided, multiple submitters, no conflicts (2 of 4 stars). 2 submissions from 2 submitters: Uncertain significance (2). Last evaluated 2025-10-29.

Conditions:
Inborn genetic diseases. Identifiers: MedGen C0950123, MeSH D030342.
Vici syndrome (VICIS). Identifiers: Orphanet 1493, MedGen C1855772, MONDO:0009452, OMIM 242840.

Allele frequency attached by ClinVar (database versions not stated): gnomAD 0.00004; TOPMed 0.00004; gnomAD exomes 0.00007; 1000 Genomes Project 0.00020; ExAC 0.00012; ESP Exome Variant Server 0.00025; 1000 Genomes Project 30x 0.00016.
gnomAD v4.1: 130 of 1,613,712 alleles (0.0081%); highest among the groups gnomAD compares: Non-Finnish European, 0.0097%; no homozygotes.

Submissions (2):

Ambry Genetics
Classification: Uncertain significance for Inborn genetic diseases. Last evaluated: 2025-10-29. Review status: criteria provided, single submitter. Criteria: Ambry Variant Classification Scheme 2023. Collection method: clinical testing. Allele origin: germline.

Labcorp Genetics (formerly Invitae), Labcorp
Classification: Uncertain significance for Vici syndrome. Last evaluated: 2022-08-15. Review status: criteria provided, single submitter. Criteria: Invitae Variant Classification Sherloc (09022015). Collection method: clinical testing. Allele origin: germline.
Comment: This sequence change replaces serine, which is neutral and polar, with isoleucine, which is neutral and non-polar, at codon 323 of the EPG5 protein (p.Ser323Ile). This variant is present in population databases (rs199732702, gnomAD 0.01%). This variant has not been reported in the literature in individuals affected with EPG5-related conditions. ClinVar contains an entry for this variant (Variation ID: 864684). Algorithms developed to predict the effect of missense changes on protein structure and function (SIFT, PolyPhen-2, Align-GVGD) all suggest that this variant is likely to be tolerated. In summary, the available evidence is currently insufficient to determine the role of this variant in disease. Therefore, it has been classified as a Variant of Uncertain Significance.

NM_020964.3(EPG5):c.968G>T (p.Ser323Ile)

Gene: EPG5 (ectopic P-granules 5 autophagy tethering factor; minus strand). Cytogenetic location: 18q21.1.
Variant type: single nucleotide variant.
Coding change: c.968G>T on transcript NM_020964.3 (MANE Select); coding-DNA position 968, G replaced by T.
Protein change: p.Ser323Ile; replaces serine 323 with isoleucine.
Molecular consequence: missense variant.
Genome position (GRCh38, 1-based): chr18:45,954,434, C>A on the plus strand (G>T on the coding strand, the complement: EPG5 is on the minus strand). VCF-style: chr18-45954434-C-A. GRCh37 (hg19) VCF-style: chr18-43534400-C-A.
Other names: short protein forms S323I.
Identifiers: ClinVar variation 864684 (VCV000864684.9), dbSNP rs199732702, ClinGen allele CA8949861.
Genomic context (GRCh38, chr18:45,954,434, plus strand): 5'-CAGGCTTCTGATCAAAATACCTGTACAGACATTTGTTCCTCCTTAAACTGCCACAGCCGA[C>A]TTTTAGCATTTTGGCAATCAGATGTCAGAGTAAGCAGCTCAGCTTCAGCCAGCAGCAGTT-3'
Protein context (NP_066015.2, residues 313-333): TLTSDCQNAK[Ser323Ile]RLWQFKEEQM